The following is an entry in ClinVar:

ClinVar aggregate classification (germline): Uncertain significance (1 of 4 stars; one submission).

Submission:

CeGaT Center for Human Genetics Tuebingen
Classification: Uncertain significance. Last evaluated: 2025-06-01. Review status: criteria provided, single submitter. Criteria: CeGaT Center For Human Genetics Tuebingen Variant Classification Criteria Version 2. Collection method: clinical testing. Allele origin: germline. Affected: yes. Observed: 1 variant allele.
Comment: TTN: PM2

NM_001267550.2(TTN):c.82169C>G (p.Ala27390Gly)

Genes: TTN (titin; minus strand), TTN-AS1 (TTN antisense RNA 1; plus strand). Cytogenetic location: 2q31.2.
Variant type: single nucleotide variant.
Coding change: c.82169C>G on transcript NM_001267550.2 (MANE Select); coding-DNA position 82169, C replaced by G.
Protein change: p.Ala27390Gly; replaces alanine 27390 with glycine.
Molecular consequence: missense variant.
Genome position (GRCh38, 1-based): chr2:178,563,963, G>C on the plus strand (C>G on the coding strand, the complement: TTN is on the minus strand). VCF-style: chr2-178563963-G-C. GRCh37 (hg19) VCF-style: chr2-179428690-G-C.
Other names: c.77246C>G, p.Ala25749Gly (NM_001256850.1); c.54974C>G, p.Ala18325Gly (NM_003319.4); c.74465C>G, p.Ala24822Gly (NM_133378.4); c.55349C>G, p.Ala18450Gly (NM_133432.3); c.55550C>G, p.Ala18517Gly (NM_133437.4); short protein forms A18325G, A18450G, A18517G, A24822G, A25749G, A27390G.
Identifiers: ClinVar variation 3906085 (VCV003906085.10).